The following is an entry in ClinVar:

ClinVar aggregate classification (germline): Uncertain significance (1 of 4 stars; one submission).

Conditions:
Werner syndrome (WRN). Identifiers: Orphanet 902, MedGen C0043119, MONDO:0010196, OMIM 277700.

Submission:

Labcorp Genetics (formerly Invitae), Labcorp
Classification: Uncertain significance for Werner syndrome. Last evaluated: 2021-09-23. Review status: criteria provided, single submitter. Criteria: Invitae Variant Classification Sherloc (09022015). Collection method: clinical testing. Allele origin: germline.
Comment: In summary, the available evidence is currently insufficient to determine the role of this variant in disease. Therefore, it has been classified as a Variant of Uncertain Significance. Algorithms developed to predict the effect of missense changes on protein structure and function are either unavailable or do not agree on the potential impact of this missense change (SIFT: "Not Available"; PolyPhen-2: "Benign"; Align-GVGD: "Not Available"). This variant has not been reported in the literature in individuals affected with WRN-related conditions. This variant is not present in population databases (ExAC no frequency). This sequence change replaces histidine with tyrosine at codon 760 of the WRN protein (p.His760Tyr). The histidine residue is weakly conserved and there is a moderate physicochemical difference between histidine and tyrosine.

NM_000553.6(WRN):c.2278C>T (p.His760Tyr)

Gene: WRN (WRN RecQ like helicase; plus strand). Cytogenetic location: 8p12.
Variant type: single nucleotide variant.
Coding change: c.2278C>T on transcript NM_000553.6 (MANE Select); coding-DNA position 2278, C replaced by T.
Protein change: p.His760Tyr; replaces histidine 760 with tyrosine.
Molecular consequence: missense variant.
Genome position (GRCh38, 1-based): chr8:31,116,358, C>T. VCF-style: chr8-31116358-C-T. GRCh37 (hg19) VCF-style: chr8-30973874-C-T.
Other names: short protein forms H760Y.
Identifiers: ClinVar variation 1481943 (VCV001481943.6), dbSNP rs2130304621, ClinGen allele CA370913340.
Genomic context (GRCh38, chr8:31,116,358, plus strand): 5'-GTCTGAAGCATGTATAAAGTATATATGTTTGCTCTTTTGTTCTTCTTTTTCTTTAGTTCC[C>T]ACTGGGAATTTGAAGGTCCAACAATCATCTACTGTCCTTCTAGAAAAATGACACAACAAG-3'
Protein context (NP_000544.2, residues 750-770): LQPFLVKTSS[His760Tyr]WEFEGPTIIY